The following is an entry in ClinVar:

ClinVar aggregate classification (germline): Uncertain significance (1 of 4 stars; one submission).

Conditions:
Hereditary cancer-predisposing syndrome. Also called: Neoplastic Syndromes, Hereditary; Tumor predisposition; Hereditary Cancer Syndrome; Hereditary neoplastic syndrome. Identifiers: Orphanet 140162, MedGen C0027672, MeSH D009386, MONDO:0015356.

Submission:

Ambry Genetics
Classification: Uncertain significance for Hereditary cancer-predisposing syndrome. Last evaluated: 2025-10-28. Review status: criteria provided, single submitter. Criteria: Ambry Variant Classification Scheme 2023. Collection method: clinical testing. Allele origin: germline.
Comment: The p.A3D variant (also known as c.8C>A), located in coding exon 1 of the MET gene, results from a C to A substitution at nucleotide position 8. The alanine at codon 3 is replaced by aspartic acid, an amino acid with dissimilar properties. This amino acid position is not well conserved in available vertebrate species. In addition, this alteration is predicted to be tolerated by in silico analysis. Based on the available evidence, the clinical significance of this variant remains unclear.

NM_000245.4(MET):c.8C>A (p.Ala3Asp)

Gene: MET (MET proto-oncogene, receptor tyrosine kinase; plus strand). Cytogenetic location: 7q31.2.
Variant type: single nucleotide variant.
Coding change: c.8C>A on transcript NM_000245.4 (MANE Select); coding-DNA position 8, C replaced by A.
Protein change: p.Ala3Asp; replaces alanine 3 with aspartic acid.
Molecular consequence: missense variant. On other transcripts: intron variant (1).
Genome position (GRCh38, 1-based): chr7:116,699,092, C>A. VCF-style: chr7-116699092-C-A. GRCh37 (hg19) VCF-style: chr7-116339146-C-A.
Other names: c.8C>A, p.Ala3Asp (NM_001127500.3, NM_001324401.3); c.-91+26515C>A (NM_001324402.2); short protein forms A3D.
Identifiers: ClinVar variation 4647403 (VCV004647403.1).
Genomic context (GRCh38, chr7:116,699,092, plus strand): 5'-GACAACTGAACTGCTCTCGCCTTGAACCTGTTTTGGCAGATAAACCTCTCATAATGAAGG[C>A]CCCCGCTGTGCTTGCACCTGGCATCCTCGTGCTCCTGTTTACCTTGGTGCAGAGGAGCAA-3'
Protein context (NP_000236.2, residues 1-13): MK[Ala3Asp]PAVLAPGILV